The following is an entry in ClinVar:

ClinVar aggregate classification (germline): Uncertain significance (1 of 4 stars; one submission).

Submission:

Labcorp Genetics (formerly Invitae), Labcorp
Classification: Uncertain significance. Last evaluated: 2022-11-23. Review status: criteria provided, single submitter. Criteria: Invitae Variant Classification Sherloc (09022015). Collection method: clinical testing. Allele origin: germline.
Comment: In summary, the available evidence is currently insufficient to determine the role of this variant in disease. Therefore, it has been classified as a Variant of Uncertain Significance. Advanced modeling of protein sequence and biophysical properties (such as structural, functional, and spatial information, amino acid conservation, physicochemical variation, residue mobility, and thermodynamic stability) performed at Invitae indicates that this missense variant is expected to disrupt FAR1 protein function. This variant has not been reported in the literature in individuals affected with FAR1-related conditions. This variant is not present in population databases (gnomAD no frequency). This sequence change replaces serine, which is neutral and polar, with threonine, which is neutral and polar, at codon 152 of the FAR1 protein (p.Ser152Thr).

NM_032228.6(FAR1):c.454T>A (p.Ser152Thr)

Gene: FAR1 (fatty acyl-CoA reductase 1; plus strand). Cytogenetic location: 11p15.3.
Variant type: single nucleotide variant.
Coding change: c.454T>A on transcript NM_032228.6 (MANE Select); coding-DNA position 454, T replaced by A.
Protein change: p.Ser152Thr; replaces serine 152 with threonine.
Molecular consequence: missense variant.
Genome position (GRCh38, 1-based): chr11:13,707,988, T>A. VCF-style: chr11-13707988-T-A. GRCh37 (hg19) VCF-style: chr11-13729535-T-A.
Other names: short protein forms S152T.
Identifiers: ClinVar variation 1718825 (VCV001718825.5), dbSNP rs2500126958, ClinGen allele CA379856837.